The following is an entry in ClinVar:

ClinVar aggregate classification (germline): Uncertain significance (1 of 4 stars; one submission).

Submission:

Ambry Genetics
Classification: Uncertain significance. Last evaluated: 2026-02-24. Review status: criteria provided, single submitter. Criteria: Ambry Variant Classification Scheme 2023. Collection method: clinical testing. Allele origin: germline.
Comment: The p.Q22K variant (also known as c.64C>A), located in coding exon 1 of the RNF43 gene, results from a C to A substitution at nucleotide position 64. The glutamine at codon 22 is replaced by lysine, an amino acid with similar properties. This amino acid position is conserved. In addition, this alteration is predicted to be tolerated by in silico analysis. Based on the available evidence, the clinical significance of this variant remains unclear.

NM_017763.6(RNF43):c.64C>A (p.Gln22Lys)

Gene: RNF43 (ring finger protein 43; minus strand). Cytogenetic location: 17q22.
Variant type: single nucleotide variant.
Coding change: c.64C>A on transcript NM_017763.6 (MANE Select); coding-DNA position 64, C replaced by A.
Protein change: p.Gln22Lys; replaces glutamine 22 with lysine.
Molecular consequence: missense variant. On other transcripts: intron variant (1).
Genome position (GRCh38, 1-based): chr17:58,415,514, G>T on the plus strand (C>A on the coding strand, the complement: RNF43 is on the minus strand). VCF-style: chr17-58415514-G-T. GRCh37 (hg19) VCF-style: chr17-56492875-G-T.
Other names: c.64C>A, p.Gln22Lys (NM_001305544.3, NM_001438820.1, NM_001438821.1 and 1 more transcripts); c.-130+1503C>A (NM_001437987.1); short protein forms Q22K.
Identifiers: ClinVar variation 4826147 (VCV004826147.1).